The following is an entry in ClinVar:

ClinVar aggregate classification (germline): Uncertain significance (1 of 4 stars; one submission).

Conditions:
Hereditary cancer-predisposing syndrome. Also called: Neoplastic Syndromes, Hereditary; Tumor predisposition; Hereditary Cancer Syndrome; Hereditary neoplastic syndrome. Identifiers: Orphanet 140162, MedGen C0027672, MeSH D009386, MONDO:0015356.

Submission:

Ambry Genetics
Classification: Uncertain significance for Hereditary cancer-predisposing syndrome. Last evaluated: 2019-08-27. Review status: criteria provided, single submitter. Criteria: Ambry Variant Classification Scheme 2023. Collection method: clinical testing. Allele origin: germline.
Comment: The p.Q69P variant (also known as c.206A>C), located in coding exon 3 of the ATM gene, results from an A to C substitution at nucleotide position 206. The glutamine at codon 69 is replaced by proline, an amino acid with similar properties. This amino acid position is not well conserved in available vertebrate species. In addition, the in silico prediction for this alteration is inconclusive. Since supporting evidence is limited at this time, the clinical significance of this alteration remains unclear.

NM_000051.4(ATM):c.206A>C (p.Gln69Pro)

Gene: ATM (ATM serine/threonine kinase; plus strand). Cytogenetic location: 11q22.3.
Variant type: single nucleotide variant.
Coding change: c.206A>C on transcript NM_000051.4 (MANE Select); coding-DNA position 206, A replaced by C.
Protein change: p.Gln69Pro; replaces glutamine 69 with proline.
Molecular consequence: missense variant.
Genome position (GRCh38, 1-based): chr11:108,229,198, A>C. VCF-style: chr11-108229198-A-C. GRCh37 (hg19) VCF-style: chr11-108099925-A-C.
Other names: c.206A>C, p.Gln69Pro (NM_001351834.2, NM_001351835.2, NM_001351836.2); short protein forms Q69P.
Identifiers: ClinVar variation 820643 (VCV000820643.4), dbSNP rs1591451524, ClinGen allele CA382521264.